The following is an entry in ClinVar:

ClinVar aggregate classification (germline): Uncertain significance (1 of 4 stars; one submission).

Conditions:
Propionic acidemia (PROP). Also called: GLYCINEMIA, KETOTIC; HYPERGLYCINEMIA WITH KETOACIDOSIS AND LEUKOPENIA; KETOTIC HYPERGLYCINEMIA. Identifiers: Orphanet 35, MedGen C0268579, MONDO:0011628, OMIM 606054, HP:0003571.

Submission:

Labcorp Genetics (formerly Invitae), Labcorp
Classification: Uncertain significance for Propionic acidemia. Last evaluated: 2021-11-03. Review status: criteria provided, single submitter. Criteria: Invitae Variant Classification Sherloc (09022015). Collection method: clinical testing. Allele origin: germline.
Comment: In summary, the available evidence is currently insufficient to determine the role of this variant in disease. Therefore, it has been classified as a Variant of Uncertain Significance. Experimental studies and prediction algorithms are not available or were not evaluated, and the functional significance of this variant is currently unknown. This variant has not been reported in the literature in individuals affected with PCCA-related conditions. This variant results in a copy number gain of the genomic region encompassing exon(s) 20-21 of the PCCA gene. While the exact position of this variant cannot be determined from the data, sub-genic copy number gains are generally in tandem (PMID: 25640679). This variant is predicted to be in-frame, and likely preserves the integrity of the reading frame.

Literature cited by the submitters: PubMed 25640679.

NC_000013.10:g.(?_101077867)_(101101579_?)dup

Gene: PCCA (propionyl-CoA carboxylase subunit alpha; plus strand). Cytogenetic location: 13q32.3.
Variant type: Duplication.
Identifiers: ClinVar variation 2422802 (VCV002422802.4).